The following is an entry in ClinVar:

ClinVar aggregate classification (germline): Uncertain significance (1 of 4 stars; one submission).

gnomAD v4.1: 1 of 1,608,476 alleles (0.000062%); no homozygotes.

Submission:

GeneDx
Classification: Uncertain significance. Last evaluated: 2023-07-25. Review status: criteria provided, single submitter. Criteria: GeneDx Variant Classification Process June 2021. Collection method: clinical testing. Allele origin: germline. Affected: yes.
Comment: Not observed at significant frequency in large population cohorts (gnomAD); In silico analysis supports that this missense variant has a deleterious effect on protein structure/function; Has not been previously published as pathogenic or benign to our knowledge

NM_006939.4(SOS2):c.2546T>A (p.Val849Glu)

Gene: SOS2 (SOS Ras/Rho guanine nucleotide exchange factor 2; minus strand). Cytogenetic location: 14q21.3.
Variant type: single nucleotide variant.
Coding change: c.2546T>A on transcript NM_006939.4 (MANE Select); coding-DNA position 2546, T replaced by A.
Protein change: p.Val849Glu; replaces valine 849 with glutamic acid.
Molecular consequence: missense variant.
Genome position (GRCh38, 1-based): chr14:50,145,291, A>T on the plus strand (T>A on the coding strand, the complement: SOS2 is on the minus strand). VCF-style: chr14-50145291-A-T. GRCh37 (hg19) VCF-style: chr14-50612009-A-T.
Other names: c.2447T>A, p.Val816Glu (NM_001411020.1); short protein forms V816E, V849E.
Identifiers: ClinVar variation 3361386 (VCV003361386.1).